The following is an entry in ClinVar:

NM_006397.3(RNASEH2A):c.657G>A (p.Trp219Ter)

Gene: RNASEH2A (ribonuclease H2 subunit A; plus strand). Cytogenetic location: 19p13.13.
Variant type: single nucleotide variant.
Coding change: c.657G>A on transcript NM_006397.3 (MANE Select); coding-DNA position 657, G replaced by A.
Protein change: p.Trp219Ter; replaces tryptophan 219 with a stop codon.
Molecular consequence: nonsense.
Genome position (GRCh38, 1-based): chr19:12,813,102, G>A. VCF-style: chr19-12813102-G-A. GRCh37 (hg19) VCF-style: chr19-12923916-G-A.
Other names: short protein forms W219*.
Identifiers: ClinVar variation 1204332 (VCV001204332.7), dbSNP rs2145830181, ClinGen allele CA404268842.
Genomic context (GRCh38, chr19:12,813,102, plus strand): 5'-TGGTGCAACTTGGACTGTCACCATTGCCCACCCTACCCCAGATCCCAAGACAAAAGCGTG[G>A]TTGAAGGAGCACGTGGAGCCTGTGTTCGGCTTCCCCCAGTTTGTCCGGTTCAGCTGGCGC-3'

ClinVar aggregate classification (germline): Pathogenic/Likely pathogenic. Review status: criteria provided, multiple submitters, no conflicts (2 of 4 stars). 2 submissions from 2 submitters: Pathogenic (1); Likely pathogenic (1). Last evaluated 2025-12-30.

Conditions:
Aicardi-Goutieres syndrome 4. Identifiers: Orphanet 51, MedGen C1835912, MONDO:0012472, OMIM 610333.

Submissions (2):

Labcorp Genetics (formerly Invitae), Labcorp
Classification: Pathogenic for Aicardi-Goutieres syndrome 4. Last evaluated: 2025-12-30. Review status: criteria provided, single submitter. Criteria: Invitae Variant Classification Sherloc (09022015). Collection method: clinical testing. Allele origin: germline.
Comment: This sequence change creates a premature translational stop signal (p.Trp219*) in the RNASEH2A gene. It is expected to result in an absent or disrupted protein product. Loss-of-function variants in RNASEH2A are known to be pathogenic (PMID: 21454563, 25274781). This variant is not present in population databases (gnomAD no frequency). This variant has not been reported in the literature in individuals affected with RNASEH2A-related conditions. ClinVar contains an entry for this variant (Variation ID: 1204332). For these reasons, this variant has been classified as Pathogenic.

GeneDx
Classification: Likely pathogenic. Last evaluated: 2021-02-27. Review status: criteria provided, single submitter. Criteria: GeneDx Variant Classification Process June 2021. Collection method: clinical testing. Allele origin: germline. Affected: yes.
Comment: Nonsense variant predicted to result in protein truncation or nonsense mediated decay in a gene for which loss-of-function is a known mechanism of disease; Not observed in large population cohorts (Lek et al., 2016); Has not been previously published as pathogenic or benign to our knowledge

Literature cited by the submitters: PubMed 21454563 (cited by Labcorp Genetics (formerly Invitae), Labcorp); PubMed 25274781 (cited by Labcorp Genetics (formerly Invitae), Labcorp).